The following is an entry in ClinVar:

NM_000092.5(COL4A4):c.3070G>T (p.Gly1024Trp)

Gene: COL4A4 (collagen type IV alpha 4 chain; minus strand). Cytogenetic location: 2q36.3.
Variant type: single nucleotide variant.
Coding change: c.3070G>T on transcript NM_000092.5 (MANE Select); coding-DNA position 3070, G replaced by T.
Protein change: p.Gly1024Trp; replaces glycine 1024 with tryptophan.
Molecular consequence: missense variant.
Genome position (GRCh38, 1-based): chr2:227,051,057, C>A on the plus strand (G>T on the coding strand, the complement: COL4A4 is on the minus strand). VCF-style: chr2-227051057-C-A. GRCh37 (hg19) VCF-style: chr2-227915773-C-A.
Other names: short protein forms G1024W.
Identifiers: ClinVar variation 1510936 (VCV001510936.8), dbSNP rs2150182132, ClinGen allele CA350839087.

ClinVar aggregate classification (germline): Uncertain significance (1 of 4 stars; one submission).

Submission:

Labcorp Genetics (formerly Invitae), Labcorp
Classification: Uncertain significance. Last evaluated: 2020-12-23. Review status: criteria provided, single submitter. Criteria: Invitae Variant Classification Sherloc (09022015). Collection method: clinical testing. Allele origin: germline.
Comment: This variant has not been reported in the literature in individuals with COL4A4-related conditions. In summary, the available evidence is currently insufficient to determine the role of this variant in disease. Therefore, it has been classified as a Variant of Uncertain Significance. Advanced modeling of protein sequence and biophysical properties (such as structural, functional, and spatial information, amino acid conservation, physicochemical variation, residue mobility, and thermodynamic stability) performed at Invitae indicates that this missense variant is expected to disrupt COL4A4 protein function. This variant is not present in population databases (ExAC no frequency). This sequence change replaces glycine with tryptophan at codon 1024 of the COL4A4 protein (p.Gly1024Trp). The glycine residue is highly conserved and there is a large physicochemical difference between glycine and tryptophan.